The following is an entry in ClinVar:

ClinVar aggregate classification (germline): Uncertain significance (1 of 4 stars; one submission).

Allele frequency attached by ClinVar (database versions not stated): gnomAD 0.00001; TOPMed 0.00002; ExAC 0.00003; ESP Exome Variant Server 0.00015.
gnomAD v4.1: 24 of 1,613,576 alleles (0.0015%); highest among the groups gnomAD compares: Non-Finnish European, 0.0019%; no homozygotes.

Submission:

Labcorp Genetics (formerly Invitae), Labcorp
Classification: Uncertain significance. Last evaluated: 2022-09-14. Review status: criteria provided, single submitter. Criteria: Invitae Variant Classification Sherloc (09022015). Collection method: clinical testing. Allele origin: germline.
Comment: This sequence change replaces alanine, which is neutral and non-polar, with threonine, which is neutral and polar, at codon 230 of the IRF4 protein (p.Ala230Thr). This variant is present in population databases (rs147454166, gnomAD 0.007%). This variant has not been reported in the literature in individuals affected with IRF4-related conditions. Algorithms developed to predict the effect of missense changes on protein structure and function output the following: SIFT: "Tolerated"; PolyPhen-2: "Benign"; Align-GVGD: "Class C0". The threonine amino acid residue is found in multiple mammalian species, which suggests that this missense change does not adversely affect protein function. In summary, the available evidence is currently insufficient to determine the role of this variant in disease. Therefore, it has been classified as a Variant of Uncertain Significance.

NM_002460.4(IRF4):c.688G>A (p.Ala230Thr)

Gene: IRF4 (interferon regulatory factor 4; plus strand). Cytogenetic location: 6p25.3.
Variant type: single nucleotide variant.
Coding change: c.688G>A on transcript NM_002460.4 (MANE Select); coding-DNA position 688, G replaced by A.
Protein change: p.Ala230Thr; replaces alanine 230 with threonine.
Molecular consequence: missense variant. On other transcripts: non-coding transcript variant (1).
Genome position (GRCh38, 1-based): chr6:398,878, G>A. VCF-style: chr6-398878-G-A. GRCh37 (hg19) VCF-style: chr6-398878-G-A.
Other names: c.685G>A, p.Ala229Thr (NM_001195286.2); short protein forms A230T, A229T.
Identifiers: ClinVar variation 1957561 (VCV001957561.5), dbSNP rs147454166, ClinGen allele CA3612780.